The following is an entry in ClinVar:

ClinVar aggregate classification (germline): Uncertain significance. Review status: criteria provided, multiple submitters, no conflicts (2 of 4 stars). 3 submissions from 3 submitters: Uncertain significance (3). Last evaluated 2026-08-27.

Conditions:
Glycogen storage disease IXb (GSD9B). Also called: PHOSPHORYLASE KINASE DEFICIENCY OF LIVER AND MUSCLE, AUTOSOMAL RECESSIVE; GLYCOGENOSIS OF LIVER AND MUSCLE, AUTOSOMAL RECESSIVE; GSD IXb. Identifiers: Orphanet 79240, MedGen C0543514, MONDO:0009868, OMIM 261750.

Allele frequency attached by ClinVar (database versions not stated): gnomAD 0.00022 and 0.00024; 1000 Genomes Project 30x 0.00062; ExAC 0.00009; 1000 Genomes Project 0.00040; gnomAD exomes 0.00006; TOPMed 0.00019.
gnomAD v4.1: 65 of 1,610,544 alleles (0.004%); highest among the groups gnomAD compares: African/African-American, 0.061%; no homozygotes.

Submissions (3):

GeneDx
Classification: Uncertain significance. Last evaluated: 2026-08-27. Review status: criteria provided, single submitter. Criteria: GeneDx Variant Classification Process June 2021. Collection method: clinical testing. Allele origin: germline.
Comment: In silico analysis supports that this missense variant does not alter protein structure/function; Has not been previously published as pathogenic or benign to our knowledge

Labcorp Genetics (formerly Invitae), Labcorp
Classification: Uncertain significance for Glycogen storage disease IXb. Last evaluated: 2022-07-05. Review status: criteria provided, single submitter. Criteria: Invitae Variant Classification Sherloc (09022015). Collection method: clinical testing. Allele origin: germline.
Comment: This sequence change replaces glycine, which is neutral and non-polar, with alanine, which is neutral and non-polar, at codon 3 of the PHKB protein (p.Gly3Ala). This variant is present in population databases (rs145047641, gnomAD 0.09%). This variant has not been reported in the literature in individuals affected with PHKB-related conditions. ClinVar contains an entry for this variant (Variation ID: 887974). Algorithms developed to predict the effect of missense changes on protein structure and function are either unavailable or do not agree on the potential impact of this missense change (SIFT: "Tolerated"; PolyPhen-2: "Possibly Damaging"; Align-GVGD: "Class C0"). In summary, the available evidence is currently insufficient to determine the role of this variant in disease. Therefore, it has been classified as a Variant of Uncertain Significance.

Illumina Laboratory Services, Illumina
Classification: Uncertain significance for Glycogen storage disease IXb. Last evaluated: 2017-04-28. Review status: criteria provided, single submitter. Criteria: ICSL Variant Classification Criteria 13 December 2019. Collection method: clinical testing. Allele origin: germline.

NM_000293.3(PHKB):c.8G>C (p.Gly3Ala)

Genes: PHKB (phosphorylase kinase regulatory subunit beta; plus strand), LOC130058947 (ATAC-STARR-seq lymphoblastoid silent region 7451; plus strand). Cytogenetic location: 16q12.1.
Variant type: single nucleotide variant.
Coding change: c.8G>C on transcript NM_000293.3 (MANE Select); coding-DNA position 8, G replaced by C.
Protein change: p.Gly3Ala; replaces glycine 3 with alanine.
Molecular consequence: missense variant. On other transcripts: 5 prime UTR variant (1).
Genome position (GRCh38, 1-based): chr16:47,461,358, G>C. VCF-style: chr16-47461358-G-C. GRCh37 (hg19) VCF-style: chr16-47495269-G-C.
Other names: c.-126G>C (NM_001031835.3); c.8G>C, p.Gly3Ala (NM_001363837.1); short protein forms G3A.
Identifiers: ClinVar variation 887974 (VCV000887974.7), dbSNP rs145047641, ClinGen allele CA8040302.
Genomic context (GRCh38, chr16:47,461,358, plus strand): 5'-CATTGCTGACAGGCGGCCCCGGGGGCGGTGGCCAAGGCGGCGACCGGAGCGCGATGGCGG[G>C]GGCGGCGGGACTCACGGCAGAAGTGAGCTGGAAGGTCTTGGAGCGAAGAGCTCGGACCAA-3'
Protein context (NP_000284.1, residues 1-13): MA[Gly3Ala]AAGLTAEVSW